The following is an entry in ClinVar:

ClinVar aggregate classification (germline): Pathogenic. Review status: criteria provided, single submitter (1 of 4 stars). 2 submissions from 2 submitters: Pathogenic (1). 1 of the submissions does not count toward it. Last evaluated 2025-01-16.

Conditions:
Ehlers-Danlos syndrome, type 4 (EDSVASC). Also called: Ehlers-Danlos syndrome vascular type; Ehlers Danlos syndrome, ecchymotic type; Ehlers Danlos syndrome, arterial type; Ehlers Danlos syndrome, Sack-Barabas type; Ehlers-Danlos Syndrome Type IV. Identifiers: Orphanet 286, MedGen C0268338, MONDO:0017314, OMIM 130050.

Allele frequency attached by ClinVar (database versions not stated): gnomAD exomes below 0.00001.
gnomAD v4.1: 1 of 1,614,028 alleles (0.000062%); highest among the groups gnomAD compares: Non-Finnish European, 0.000085%; no homozygotes.

Submissions (2):

GeneDx
Classification: Pathogenic. Last evaluated: 2025-01-16. Review status: criteria provided, single submitter. Criteria: GeneDx Variant Classification Process June 2021. Collection method: clinical testing. Allele origin: germline.
Comment: Identified in an individual with vascular Ehlers-Danlos syndrome in published literature (PMID: 24922459); Not observed at significant frequency in large population cohorts (gnomAD); Damages or destroys the splice donor site in intron 19, and is expected to cause abnormal gene splicing; if the splice outcome is exon skip, the loss of the encoded residues in the triple helical region is expected to disrupt normal protein folding and function, and this is an established mechanism of disease (HGMD); Canonical splice site variant predicted to result in an in-frame loss of the adjacent exon in a gene for which loss of function is a known mechanism of disease; This variant is associated with the following publications: (PMID: 24922459, 17251678, 2349939, 9143932, 22019127, 27306637, 30474650)

Collagen Diagnostic Laboratory, University of Washington
Classification: Pathogenic for Ehlers-Danlos syndrome, type 4. Review status: no assertion criteria provided. Collection method: clinical testing. Allele origin: germline. Affected: yes. Not counted in ClinVar's aggregate classification.

NM_000090.4(COL3A1):c.1347+1G>T

Gene: COL3A1 (collagen type III alpha 1 chain; plus strand). Cytogenetic location: 2q32.2.
Variant type: single nucleotide variant.
Coding change: c.1347+1G>T on transcript NM_000090.4 (MANE Select); the canonical splice donor site of the intron after coding-DNA position 1347, G replaced by T.
Molecular consequence: splice donor variant.
Genome position (GRCh38, 1-based): chr2:188,994,595, G>T. VCF-style: chr2-188994595-G-T. GRCh37 (hg19) VCF-style: chr2-189859321-G-T.
Identifiers: ClinVar variation 101473 (VCV000101473.4), dbSNP rs397509370, ClinGen allele CA004243.